The following is an entry in ClinVar:

NM_000368.5(TSC1):c.3274G>A (p.Ala1092Thr)

Gene: TSC1 (TSC complex subunit 1; minus strand). Cytogenetic location: 9q34.13.
Variant type: single nucleotide variant.
Coding change: c.3274G>A on transcript NM_000368.5 (MANE Select); coding-DNA position 3274, G replaced by A.
Protein change: p.Ala1092Thr; replaces alanine 1092 with threonine.
Molecular consequence: missense variant.
Genome position (GRCh38, 1-based): chr9:132,896,456, C>T on the plus strand (G>A on the coding strand, the complement: TSC1 is on the minus strand). VCF-style: chr9-132896456-C-T. GRCh37 (hg19) VCF-style: chr9-135771843-C-T.
Other names: c.3271G>A, p.Ala1091Thr (NM_001162426.2); c.3121G>A, p.Ala1041Thr (NM_001162427.2); c.2911G>A, p.Ala971Thr (NM_001362177.2); short protein forms A1041T, A1091T, A1092T, A971T.
Identifiers: ClinVar variation 853797 (VCV000853797.11), dbSNP rs747053008, ClinGen allele CA375366762.

ClinVar aggregate classification (germline): Uncertain significance. Review status: criteria provided, multiple submitters, no conflicts (2 of 4 stars). 3 submissions from 3 submitters: Uncertain significance (3). Last evaluated 2025-03-22.

Conditions:
Isolated focal cortical dysplasia type II (FCORD2). Also called: CORTICAL DYSPLASIA OF TAYLOR; Focal cortical dysplasia type II. Identifiers: Orphanet 268994, MedGen C1846385, MONDO:0011818, OMIM 607341, HP:0032051.
Tuberous sclerosis 1 (TSC1). Identifiers: Orphanet 805, MedGen C1854465, MONDO:0008612, OMIM 191100.
Hereditary cancer-predisposing syndrome. Also called: Neoplastic Syndromes, Hereditary; Hereditary Cancer Syndrome; Hereditary neoplastic syndrome; Tumor predisposition. Identifiers: Orphanet 140162, MedGen C0027672, MeSH D009386, MONDO:0015356.

Allele frequency attached by ClinVar (database versions not stated): gnomAD exomes below 0.00001; gnomAD 0.00001.
gnomAD v4.1: 2 of 1,614,106 alleles (0.00012%); highest among the groups gnomAD compares: Non-Finnish European, 0.00017%; no homozygotes.

Submissions (3):

Ambry Genetics
Classification: Uncertain significance for Hereditary cancer-predisposing syndrome. Last evaluated: 2025-03-22. Review status: criteria provided, single submitter. Criteria: Ambry Variant Classification Scheme 2023. Collection method: clinical testing. Allele origin: germline.
Comment: The p.A1092T variant (also known as c.3274G>A), located in coding exon 21 of the TSC1 gene, results from a G to A substitution at nucleotide position 3274. The alanine at codon 1092 is replaced by threonine, an amino acid with similar properties. This amino acid position is conserved. In addition, this alteration is predicted to be tolerated by in silico analysis. Based on the available evidence, the clinical significance of this variant remains unclear.

Labcorp Genetics (formerly Invitae), Labcorp
Classification: Uncertain significance for Tuberous sclerosis 1. Last evaluated: 2024-11-23. Review status: criteria provided, single submitter. Criteria: Invitae Variant Classification Sherloc (09022015). Collection method: clinical testing. Allele origin: germline.
Comment: This sequence change replaces alanine, which is neutral and non-polar, with threonine, which is neutral and polar, at codon 1092 of the TSC1 protein (p.Ala1092Thr). This variant is not present in population databases (gnomAD no frequency). This variant has not been reported in the literature in individuals affected with TSC1-related conditions. ClinVar contains an entry for this variant (Variation ID: 853797). Invitae Evidence Modeling of protein sequence and biophysical properties (such as structural, functional, and spatial information, amino acid conservation, physicochemical variation, residue mobility, and thermodynamic stability) indicates that this missense variant is not expected to disrupt TSC1 protein function with a negative predictive value of 95%. In summary, the available evidence is currently insufficient to determine the role of this variant in disease. Therefore, it has been classified as a Variant of Uncertain Significance.

Baylor Genetics
Classification: Uncertain significance for Isolated focal cortical dysplasia type II. Last evaluated: 2023-06-19. Review status: criteria provided, single submitter. Criteria: ACMG Guidelines, 2015. Collection method: clinical testing. Allele origin: unknown.